The following is an entry in ClinVar:

ClinVar aggregate classification (germline): Likely pathogenic (1 of 4 stars; one submission).

Conditions:
3-hydroxyisobutyryl-CoA hydrolase deficiency. Also called: VALINE METABOLIC DEFECT; Reduced circulating 3-hydroxyisobutyryl-CoA hydrolase activity; Deficiency of 3-hydroxyisobutyryl CoA hydrolase; HIBCH DEFICIENCY; METHACRYLIC ACID TOXICITY; METHACRYLIC ACIDURIA. Identifiers: Orphanet 88639, MedGen C0342738, MONDO:0009603, OMIM 250620, HP:6000215.

Submission:

Labcorp Genetics (formerly Invitae), Labcorp
Classification: Likely pathogenic for 3-hydroxyisobutyryl-CoA hydrolase deficiency. Last evaluated: 2022-07-19. Review status: criteria provided, single submitter. Criteria: Invitae Variant Classification Sherloc (09022015). Collection method: clinical testing. Allele origin: germline.
Comment: ClinVar contains an entry for this variant (Variation ID: 1522611). This variant has not been reported in the literature in individuals affected with HIBCH-related conditions. This variant is not present in population databases (gnomAD no frequency). This sequence change affects a donor splice site in intron 5 of the HIBCH gene. It is expected to disrupt RNA splicing. Variants that disrupt the donor or acceptor splice site typically lead to a loss of protein function (PMID: 16199547), and loss-of-function variants in HIBCH are known to be pathogenic (PMID: 17160907, 26163321). Algorithms developed to predict the effect of sequence changes on RNA splicing suggest that this variant may disrupt the consensus splice site. In summary, the currently available evidence indicates that the variant is pathogenic, but additional data are needed to prove that conclusively. Therefore, this variant has been classified as Likely Pathogenic.

Literature cited by the submitters: PubMed 16199547; PubMed 17160907; PubMed 26163321.

NM_014362.4(HIBCH):c.385+2T>A

Gene: HIBCH (3-hydroxyisobutyryl-CoA hydrolase; minus strand). Cytogenetic location: 2q32.2.
Variant type: single nucleotide variant.
Coding change: c.385+2T>A on transcript NM_014362.4 (MANE Select); the canonical splice donor site of the intron after coding-DNA position 385, T replaced by A.
Molecular consequence: splice donor variant.
Genome position (GRCh38, 1-based): chr2:190,290,403, A>T on the plus strand (T>A on the coding strand, the complement: HIBCH is on the minus strand). VCF-style: chr2-190290403-A-T. GRCh37 (hg19) VCF-style: chr2-191155129-A-T.
Other names: c.385+2T>A (NM_198047.3).
Identifiers: ClinVar variation 1522611 (VCV001522611.6), dbSNP rs2105985080, ClinGen allele CA349895650.
Genomic context (GRCh38, chr2:190,290,403, plus strand): 5'-GTACATACTGTCCACCTCATTTCTTTATTCCATTTCCAAAGCTCTGAGCAGAATACACAT[A>T]CCAACAGCATTATTCAGCATATATTCTTCTCTGAAGAAAACTGGAGCTATCTTCTGTTTT-3'